The following is an entry in ClinVar:

NM_002700.3(POU4F3):c.713ACA[2] (p.Asn240del)

Genes: POU4F3 (POU class 4 homeobox 3; plus strand), RBM27-POU4F3 (RBM27-POU4F3 readthrough; plus strand). Cytogenetic location: 5q32.
Variant type: Microsatellite.
Coding change: c.713ACA[2] on transcript NM_002700.3 (MANE Select); two copies in a row of the 3-base unit ACA starting at c.713; the reference has three copies in a row; one copy, 3 bases deleted; also written c.719_721del.
Protein change: p.Asn240del; deletes asparagine 240.
Molecular consequence: inframe deletion. On other transcripts: 3 prime UTR variant (1).
Genome position (GRCh38, 1-based): chr5:146,340,146-146,340,148, ACA deleted; deleting any 3 consecutive bases within chr5:146,340,140-146,340,148 gives the same sequence; the position shown is the placement nearest the transcript's 3' end. VCF-style (leftmost placement, unchanged base first): chr5-146340139-CACA-C. GRCh37 (hg19) VCF-style: chr5-145719702-CACA-C.
Other names: c.719_721del (NM_002700.3); c.*582ACA[2] (NM_001414499.1); short protein forms N240del.
Identifiers: ClinVar variation 5019804 (VCV005019804.1).

ClinVar aggregate classification (germline): Uncertain significance (1 of 4 stars; one submission).

Conditions:
Autosomal dominant nonsyndromic hearing loss 15 (DFNA15). Also called: DEAFNESS, AUTOSOMAL DOMINANT 52; Autosomal dominant nonsyndromic hearing loss 52. Identifiers: Orphanet 90635, MedGen C1865366, MONDO:0011226, OMIM 602459.

Submission:

Juno Genomics, Hangzhou Juno Genomics, Inc
Classification: Uncertain significance for Autosomal dominant nonsyndromic hearing loss 15. Review status: criteria provided, single submitter. Criteria: ACMG Guidelines, 2015. Collection method: clinical testing. Allele origin: germline. Affected: yes.
Comment: Absent from controls (or at extremely low frequency if recessive) in Genome Aggregation Database.;Protein length changes due to in-frame deletions/insertions in a non-repeat region or stop-loss variants.